The following is an entry in ClinVar:

ClinVar aggregate classification (germline): Uncertain significance (1 of 4 stars; one submission).

Submission:

Ambry Genetics
Classification: Uncertain significance. Last evaluated: 2023-06-11. Review status: criteria provided, single submitter. Criteria: Ambry Variant Classification Scheme 2023. Collection method: clinical testing. Allele origin: germline.
Comment: The p.S563T variant (also known as c.1687T>A), located in coding exon 15 of the BUB1 gene, results from a T to A substitution at nucleotide position 1687. The serine at codon 563 is replaced by threonine, an amino acid with similar properties. This amino acid position is conserved. In addition, this alteration is predicted to be tolerated by in silico analysis. Since supporting evidence is limited at this time, the clinical significance of this alteration remains unclear.

NM_004336.5(BUB1):c.1687T>A (p.Ser563Thr)

Gene: BUB1 (BUB1 mitotic checkpoint serine/threonine kinase; minus strand). Cytogenetic location: 2q13.
Variant type: single nucleotide variant.
Coding change: c.1687T>A on transcript NM_004336.5 (MANE Select); coding-DNA position 1687, T replaced by A.
Protein change: p.Ser563Thr; replaces serine 563 with threonine.
Molecular consequence: missense variant.
Genome position (GRCh38, 1-based): chr2:110,657,047, A>T on the plus strand (T>A on the coding strand, the complement: BUB1 is on the minus strand). VCF-style: chr2-110657047-A-T. GRCh37 (hg19) VCF-style: chr2-111414624-A-T.
Other names: c.1627T>A, p.Ser543Thr (NM_001278616.2); c.1687T>A, p.Ser563Thr (NM_001278617.2); short protein forms S563T, S543T.
Identifiers: ClinVar variation 2565828 (VCV002565828.2), dbSNP rs1689952266, ClinGen allele CA348211326.